The following is an entry in ClinVar:

NM_006514.4(SCN10A):c.692G>A (p.Gly231Asp)

Gene: SCN10A (sodium voltage-gated channel alpha subunit 10; minus strand). Cytogenetic location: 3p22.2.
Variant type: single nucleotide variant.
Coding change: c.692G>A on transcript NM_006514.4 (MANE Select); coding-DNA position 692, G replaced by A.
Protein change: p.Gly231Asp; replaces glycine 231 with aspartic acid.
Molecular consequence: missense variant.
Genome position (GRCh38, 1-based): chr3:38,761,383, C>T on the plus strand (G>A on the coding strand, the complement: SCN10A is on the minus strand). VCF-style: chr3-38761383-C-T. GRCh37 (hg19) VCF-style: chr3-38802874-C-T.
Other names: c.692G>A, p.Gly231Asp (NM_001293306.2, NM_001293307.2); short protein forms G231D.
Identifiers: ClinVar variation 940195 (VCV000940195.8), dbSNP rs764095900, ClinGen allele CA2321094.

ClinVar aggregate classification (germline): Conflicting classifications of pathogenicity. Review status: criteria provided, conflicting classifications (1 of 4 stars). 2 submissions from 2 submitters: Uncertain significance (1); Likely benign (1). Last evaluated 2024-12-28.

Conditions:
Brugada syndrome. Also called: Sudden unexpected nocturnal death syndrome; Sudden Unexplained Death Syndrome; Sudden Unexplained Nocturnal Death Syndrome (SUNDS); Sudden unexplained nocturnal death syndrome. Identifiers: Orphanet 130, MedGen C1142166, MONDO:0015263.
Cardiovascular phenotype. Identifiers: MedGen CN230736.

Allele frequency attached by ClinVar (database versions not stated): gnomAD below 0.00001 and 0.00001; TOPMed 0.00002; ExAC 0.00007; gnomAD exomes 0.00008.
gnomAD v4.1: 84 of 1,611,722 alleles (0.0052%); highest among the groups gnomAD compares: South Asian, 0.079%; no homozygotes.

Submissions (2):

Labcorp Genetics (formerly Invitae), Labcorp
Classification: Uncertain significance for Brugada syndrome. Last evaluated: 2024-12-28. Review status: criteria provided, single submitter. Criteria: Invitae Variant Classification Sherloc (09022015). Collection method: clinical testing. Allele origin: germline.
Comment: This sequence change replaces glycine, which is neutral and non-polar, with aspartic acid, which is acidic and polar, at codon 231 of the SCN10A protein (p.Gly231Asp). This variant is present in population databases (rs764095900, gnomAD 0.06%). This variant has not been reported in the literature in individuals affected with SCN10A-related conditions. ClinVar contains an entry for this variant (Variation ID: 940195). An algorithm developed to predict the effect of missense changes on protein structure and function (PolyPhen-2) suggests that this variant is likely to be disruptive. In summary, the available evidence is currently insufficient to determine the role of this variant in disease. Therefore, it has been classified as a Variant of Uncertain Significance.

Ambry Genetics
Classification: Likely benign for Cardiovascular phenotype. Last evaluated: 2020-12-03. Review status: criteria provided, single submitter. Criteria: Ambry Variant Classification Scheme 2023. Collection method: clinical testing. Allele origin: germline.